The following is an entry in ClinVar:

ClinVar aggregate classification (germline): Uncertain significance. Review status: criteria provided, multiple submitters, no conflicts (2 of 4 stars). 2 submissions from 2 submitters: Uncertain significance (2). Last evaluated 2026-07-10.

Conditions:
ACOX2-related disorder. Also called: ACOX2-related condition.

Allele frequency attached by ClinVar (database versions not stated): ExAC 0.00007; ESP Exome Variant Server 0.00008.

Submissions (2):

PreventionGenetics, part of Exact Sciences
Classification: Uncertain significance for ACOX2-related condition. Last evaluated: 2026-07-10. Review status: criteria provided, single submitter. Criteria: ACMG Guidelines, 2015. Collection method: clinical testing. Allele origin: germline.
Comment: The ACOX2 c.781C>T variant is predicted to result in the amino acid substitution p.Arg261Trp. To our knowledge, this variant has not been reported in the literature. This variant is reported in 0.12% of alleles in individuals of Ashkenazi Jewish descent in gnomAD. Although we suspect that this variant may be benign, at this time, the clinical significance of this variant is uncertain due to the absence of conclusive functional and genetic evidence.

Labcorp Genetics (formerly Invitae), Labcorp
Classification: Uncertain significance. Last evaluated: 2025-10-02. Review status: criteria provided, single submitter. Criteria: Invitae Variant Classification Sherloc (09022015). Collection method: clinical testing. Allele origin: germline.
Comment: This sequence change replaces arginine, which is basic and polar, with tryptophan, which is neutral and slightly polar, at codon 261 of the ACOX2 protein (p.Arg261Trp). This variant is present in population databases (rs200178010, gnomAD 0.1%), and has an allele count higher than expected for a pathogenic variant. This variant has not been reported in the literature in individuals affected with ACOX2-related conditions. ClinVar contains an entry for this variant (Variation ID: 1361070). Invitae Evidence Modeling of protein sequence and biophysical properties (such as structural, functional, and spatial information, amino acid conservation, physicochemical variation, residue mobility, and thermodynamic stability) indicates that this missense variant is expected to disrupt ACOX2 protein function with a positive predictive value of 80%. In summary, the available evidence is currently insufficient to determine the role of this variant in disease. Therefore, it has been classified as a Variant of Uncertain Significance.

NM_003500.4(ACOX2):c.781C>T (p.Arg261Trp)

Gene: ACOX2 (acyl-CoA oxidase 2; minus strand). Cytogenetic location: 3p14.3.
Variant type: single nucleotide variant.
Coding change: c.781C>T on transcript NM_003500.4 (MANE Select); coding-DNA position 781, C replaced by T.
Protein change: p.Arg261Trp; replaces arginine 261 with tryptophan.
Molecular consequence: missense variant.
Genome position (GRCh38, 1-based): chr3:58,531,289, G>A on the plus strand (C>T on the coding strand, the complement: ACOX2 is on the minus strand). VCF-style: chr3-58531289-G-A. GRCh37 (hg19) VCF-style: chr3-58517016-G-A.
Other names: c.781C>T (NM_003500.3); short protein forms R261W.
Identifiers: ClinVar variation 1361070 (VCV001361070.7), dbSNP rs200178010, ClinGen allele CA2472294.